The following continues an entry in ClinVar:

NM_001127222.2(CACNA1A):c.4174G>A (p.Val1392Met)

ClinVar aggregate classification (germline): Pathogenic/Likely pathogenic. Pathogenic (15); Likely pathogenic (8).

Submissions 12 to 26 of 26:

Ambry Genetics
Classification: Pathogenic for Inborn genetic diseases. Last evaluated: 2020-06-04. Review status: criteria provided, single submitter. Criteria: Ambry Variant Classification Scheme 2023. Collection method: clinical testing. Allele origin: germline.
Comment: The alteration results in an amino acid change:_x000D_ _x000D_ The c.4177G>A (p.V1393M) alteration is located in coding exon 26 of the CACNA1A gene. This alteration results from a G to A substitution at nucleotide position 4177, causing the valine (V) at amino acid position 1393 to be replaced by a methionine (M). The alteration is not observed in population databases: _x000D_ _x000D_ Based on data from the Genome Aggregation Database (gnomAD), the CACNA1A c.4177G>A alteration was not observed, with coverage at this position. The alteration has been observed in affected individuals:_x000D_ _x000D_ The c.4177G>A (p.V1393M) alteration has been observed de novo in multiple unrelated affected patients. Common clinical features include seizures, ataxia, tremors, developmental delay, and intellectual disability (Travaglini, 2017; Butler, 2017; Cordeiro, 2018; Costain, 2019; Jiang, 2019). The altered amino acid is conserved throughout evolution:_x000D_ _x000D_ The p.V1393 amino acid is conserved in available vertebrate species. The amino acid is located in a functionally important protein domain:_x000D_ _x000D_ The p.V1393 amino acid is located in the S5 transmembrane segment of domain III of the Cav2.1 P/Q type voltage-dependent calcium channel. The S5 and S6 helices line the inner pore surface of the ion channel (Rajakulendran, 2012). Functional analysis reveals a damaging effect of the amino acid alteration: _x000D_ _x000D_ Functional analysis using whole cell voltage-clamp recordings of the mouse homologous variant in HEK293 cells demonstrated that the p.V1393M alteration increased peak density compared to wild type and altered current kinetics with a steeper activation curve and midpoint of activation that was more hyperpolarized. In addition, expression levels of mutant protein in the cell membrane was 50% of wild type expression levels (Jiang, 2019). The alteration is predicted deleterious by in silico modeling:_x000D_ _x000D_ The p.V1393M alteration is predicted to be deleterious by in silico analysis. Based on the available evidence, this alteration is classified as pathogenic.

Baylor Genetics
Classification: Pathogenic for Developmental and epileptic encephalopathy, 42. Last evaluated: 2020-06-03. Review status: criteria provided, single submitter. Criteria: ACMG Guidelines, 2015. Collection method: clinical testing. Allele origin: unknown. Affected: yes.
Comment: This variant was determined to be pathogenic according to ACMG Guidelines, 2015 [PMID:25741868].

Mayo Clinic Laboratories, Mayo Clinic
Classification: Pathogenic. Last evaluated: 2019-05-20. Review status: criteria provided, single submitter. Criteria: ACMG Guidelines, 2015. Collection method: clinical testing. Allele origin: germline. Observed: 1 variant allele.

Centre for Mendelian Genomics, University Medical Centre Ljubljana
Classification: Likely pathogenic for Migraine, familial hemiplegic, 1. Last evaluated: 2019-05-07. Review status: criteria provided, single submitter. Criteria: ACMG Guidelines, 2015. Collection method: clinical testing. Allele origin: unknown. Affected: yes.
Comment: This variant was classified as: Likely pathogenic. The following ACMG criteria were applied in classifying this variant: PS1,PM2,PP3,PP4.

Genomic Research Center, Shahid Beheshti University of Medical Sciences
Classification: Likely pathogenic for Developmental and epileptic encephalopathy, 42. Last evaluated: 2018-03-05. Review status: criteria provided, single submitter. Criteria: ACMG Guidelines, 2015. Collection method: clinical testing. Allele origin: inherited. Affected: yes. Observed: 1 variant allele.

Genomic Research Center, Shahid Beheshti University of Medical Sciences
Classification: Likely pathogenic for Migraine. Last evaluated: 2018-03-05. Review status: criteria provided, single submitter. Criteria: ACMG Guidelines, 2015. Collection method: clinical testing. Allele origin: inherited. Affected: yes. Observed: 1 variant allele.

Genomic Research Center, Shahid Beheshti University of Medical Sciences
Classification: Likely pathogenic for Episodic ataxia type 2. Last evaluated: 2018-03-05. Review status: criteria provided, single submitter. Criteria: ACMG Guidelines, 2015. Collection method: clinical testing. Allele origin: inherited. Affected: yes. Observed: 1 variant allele.

Genomic Research Center, Shahid Beheshti University of Medical Sciences
Classification: Likely pathogenic for Spinocerebellar ataxia type 6. Last evaluated: 2018-03-05. Review status: criteria provided, single submitter. Criteria: ACMG Guidelines, 2015. Collection method: clinical testing. Allele origin: inherited. Affected: yes. Observed: 1 variant allele.

Genomic Research Center, Shahid Beheshti University of Medical Sciences
Classification: Likely pathogenic for Migraine, familial hemiplegic, 1. Last evaluated: 2018-03-05. Review status: criteria provided, single submitter. Criteria: ACMG Guidelines, 2015. Collection method: clinical testing. Allele origin: inherited. Affected: yes. Observed: 1 variant allele.

HudsonAlpha Institute for Biotechnology
Classification: Likely pathogenic for Developmental and epileptic encephalopathy, 42. Last evaluated: 2017-12-14. Review status: criteria provided, single submitter. Criteria: ACMG Guidelines, 2015. Collection method: research. Allele origin: unknown. Affected: yes. Observed: 1 variant allele. Study: CSER-HudsonAlpha.

Eurofins Ntd Llc (ga)
Classification: Pathogenic. Last evaluated: 2017-08-31. Review status: criteria provided, single submitter. Criteria: EGL Classification Definitions 2015. Collection method: clinical testing. Allele origin: germline. Observed: 2 variant alleles, 2 heterozygotes.

Juno Genomics, Hangzhou Juno Genomics, Inc
Classification: Pathogenic for Developmental and epileptic encephalopathy, 42; Episodic ataxia type 2; Migraine, familial hemiplegic, 1; Spinocerebellar ataxia type 6. Review status: criteria provided, single submitter. Criteria: ACMG Guidelines, 2015. Collection method: clinical testing. Allele origin: germline.
Comment: Absent from controls (or at extremely low frequency if recessive) in Genome Aggregation Database.;Multiple lines of computational evidence support a deleterious effect on the gene or gene product.;Missense variant in a gene that has a low rate of benign missense variation.;Novel missense change at an amino acid residue where a different missense change determined to be pathogenic has been seen before.;The prevalence of the variant in affected individuals is significantly increased compared to the prevalence in controls.;Assumed de novo, but without confirmation of paternity and maternity.;Patient's phenotype or family history is highly specific for a disease with a single genetic etiology.

Baylor Genetics
Classification: Likely pathogenic for Episodic ataxia type 2; Migraine, familial hemiplegic, 1. Last evaluated: 2014-10-16. Review status: no assertion criteria provided. Collection method: clinical testing. Allele origin: de novo. Inheritance: Autosomal dominant inheritance. Affected: yes. Observed: 1 variant allele, 1 heterozygote. Not counted in ClinVar's aggregate classification.
Comment: Missense and truncating variants in CACNA1A have been reported in patients with epilepsy (PMID:18940563;PMID:21703448)

Clinical Genetics DNA and cytogenetics Diagnostics Lab, Erasmus MC, Erasmus Medical Center
Classification: Likely pathogenic. Review status: no assertion criteria provided. Collection method: clinical testing. Allele origin: germline. Affected: yes. Study: VKGL Data-share Consensus. Not counted in ClinVar's aggregate classification.

Genome Diagnostics Laboratory, University Medical Center Utrecht
Classification: Likely pathogenic. Review status: no assertion criteria provided. Collection method: clinical testing. Allele origin: germline. Affected: yes. Study: VKGL Data-share Consensus. Not counted in ClinVar's aggregate classification.

Literature cited by the submitters: PubMed 28007337 (cited by 5 submitters); PubMed 29056246 (cited by 4 submitters); PubMed 29100083 (cited by 3 submitters); PubMed 30283815 (cited by 3 submitters); PubMed 31468518 (cited by Labcorp Genetics (formerly Invitae), Labcorp and Ambry Genetics); PubMed 36305856 (cited by 3billion); PubMed 27959697 (cited by Pediatrics, MediClubGeorgia and Mayo Clinic Laboratories, Mayo Clinic); PubMed 22249839 (cited by Ambry Genetics); PubMed 31487502 (cited by Ambry Genetics).